The following is an entry in ClinVar:

ClinVar aggregate classification (germline): Uncertain significance (1 of 4 stars; one submission).

Submission:

Labcorp Genetics (formerly Invitae), Labcorp
Classification: Uncertain significance. Last evaluated: 2025-12-15. Review status: criteria provided, single submitter. Criteria: Invitae Variant Classification Sherloc (09022015). Collection method: clinical testing. Allele origin: germline.
Comment: This sequence change replaces alanine, which is neutral and non-polar, with glycine, which is neutral and non-polar, at codon 38 of the OPN1SW protein (p.Ala38Gly). This variant is not present in population databases (gnomAD no frequency). This variant has not been reported in the literature in individuals affected with OPN1SW-related conditions. An algorithm developed to predict the effect of missense changes on protein structure and function (PolyPhen-2) suggests that this variant is likely to be tolerated. In summary, the available evidence is currently insufficient to determine the role of this variant in disease. Therefore, it has been classified as a Variant of Uncertain Significance.

NM_001385125.1(OPN1SW):c.104C>G (p.Ala35Gly)

Gene: OPN1SW (opsin 1, short wave sensitive; minus strand). Cytogenetic location: 7q32.1.
Variant type: single nucleotide variant.
Coding change: c.104C>G on transcript NM_001385125.1 (MANE Select); coding-DNA position 104, C replaced by G.
Protein change: p.Ala35Gly; replaces alanine 35 with glycine.
Molecular consequence: missense variant.
Genome position (GRCh38, 1-based): chr7:128,775,678, G>C on the plus strand (C>G on the coding strand, the complement: OPN1SW is on the minus strand). VCF-style: chr7-128775678-G-C. GRCh37 (hg19) VCF-style: chr7-128415732-G-C.
Other names: short protein forms A35G.
Identifiers: ClinVar variation 4732807 (VCV004732807.1).